The following is an entry in ClinVar:

NM_152564.5(VPS13B):c.6143C>T (p.Ala2048Val)

Gene: VPS13B (vacuolar protein sorting 13 homolog B; plus strand). Cytogenetic location: 8q22.2.
Variant type: single nucleotide variant.
Coding change: c.6143C>T on transcript NM_152564.5 (MANE Select); coding-DNA position 6143, C replaced by T.
Protein change: p.Ala2048Val; replaces alanine 2048 with valine.
Molecular consequence: missense variant.
Genome position (GRCh38, 1-based): chr8:99,699,621, C>T. VCF-style: chr8-99699621-C-T. GRCh37 (hg19) VCF-style: chr8-100711849-C-T.
Other names: c.6218C>T, p.Ala2073Val (NM_017890.5); short protein forms A2048V, A2073V.
Identifiers: ClinVar variation 969112 (VCV000969112.8), dbSNP rs1832186518, ClinGen allele CA371874296.

ClinVar aggregate classification (germline): Uncertain significance (1 of 4 stars; one submission).

Conditions:
Cohen syndrome (COH1). Also called: Cutis verticis gyrata, retinitis pigmentosa, and sensorineural deafness; PEPPER SYNDROME. Identifiers: Orphanet 193, MedGen C0265223, MONDO:0008999, OMIM 216550.

Submission:

Labcorp Genetics (formerly Invitae), Labcorp
Classification: Uncertain significance for Cohen syndrome. Last evaluated: 2019-10-14. Review status: criteria provided, single submitter. Criteria: Invitae Variant Classification Sherloc (09022015). Collection method: clinical testing. Allele origin: germline.
Comment: This sequence change replaces alanine with valine at codon 2073 of the VPS13B protein (p.Ala2073Val). The alanine residue is weakly conserved and there is a small physicochemical difference between alanine and valine. This variant is not present in population databases (ExAC no frequency). This variant has not been reported in the literature in individuals with VPS13B-related conditions. Algorithms developed to predict the effect of missense changes on protein structure and function output the following: SIFT: "Tolerated"; PolyPhen-2: "Possibly Damaging"; Align-GVGD: "Class C0". The valine amino acid residue is found in multiple mammalian species, suggesting that this missense change does not adversely affect protein function. These predictions have not been confirmed by published functional studies and their clinical significance is uncertain. In summary, the available evidence is currently insufficient to determine the role of this variant in disease. Therefore, it has been classified as a Variant of Uncertain Significance.